The following is an entry in ClinVar:

NM_000093.5(COL5A1):c.3445G>A (p.Val1149Met)

Gene: COL5A1 (collagen type V alpha 1 chain; plus strand). Cytogenetic location: 9q34.3.
Variant type: single nucleotide variant.
Coding change: c.3445G>A on transcript NM_000093.5 (MANE Select); coding-DNA position 3445, G replaced by A.
Protein change: p.Val1149Met; replaces valine 1149 with methionine.
Molecular consequence: missense variant.
Genome position (GRCh38, 1-based): chr9:134,809,261, G>A. VCF-style: chr9-134809261-G-A. GRCh37 (hg19) VCF-style: chr9-137701107-G-A.
Other names: c.3445G>A, p.Val1149Met (NM_001278074.1); short protein forms V1149M.
Identifiers: ClinVar variation 4760234 (VCV004760234.2).
Genomic context (GRCh38, chr9:134,809,261, plus strand): 5'-GGCCCAGCTGGCCGAGACGGTCTCCAGGGGCCTGTGGGGCTCCCGGGTCCAGCTGGCCCT[G>A]TGGGTCCCCCTGGAGAAGACGGAGATAAGGTAAGGCAAATCCAGAGTGACCCATGGCTGG-3'
Protein context (NP_000084.3, residues 1139-1159): PVGLPGPAGP[Val1149Met]GPPGEDGDKG

ClinVar aggregate classification (germline): Uncertain significance. Review status: criteria provided, multiple submitters, no conflicts (2 of 4 stars). 2 submissions from 2 submitters: Uncertain significance (2). Last evaluated 2025-02-20.

Conditions:
Ehlers-Danlos syndrome, classic type, 1 (EDSCL1). Also called: EHLERS-DANLOS SYNDROME, GRAVIS TYPE; EHLERS-DANLOS SYNDROME, SEVERE CLASSIC TYPE; Ehlers-Danlos syndrome, type 1; EDS I; Ehlers-Danlos Syndrome, Classic Type, COL5A1-Related. Identifiers: MedGen C0268335, MONDO:0019567, OMIM 130000.

gnomAD v4.1: 2 of 1,609,204 alleles (0.00012%); highest among the groups gnomAD compares: South Asian, 0.0022%; no homozygotes.

Submissions (2):

Labcorp Genetics (formerly Invitae), Labcorp
Classification: Uncertain significance for Ehlers-Danlos syndrome, classic type, 1. Last evaluated: 2025-02-20. Review status: criteria provided, single submitter. Criteria: Invitae Variant Classification Sherloc (09022015). Collection method: clinical testing. Allele origin: germline.
Comment: This sequence change replaces valine, which is neutral and non-polar, with methionine, which is neutral and non-polar, at codon 1149 of the COL5A1 protein (p.Val1149Met). This variant is not present in population databases (gnomAD no frequency). This missense change has been observed in individual(s) with aortic dissection (PMID: 34041919). Invitae Evidence Modeling of protein sequence and biophysical properties (such as structural, functional, and spatial information, amino acid conservation, physicochemical variation, residue mobility, and thermodynamic stability) indicates that this missense variant is not expected to disrupt COL5A1 protein function with a negative predictive value of 95%. In summary, the available evidence is currently insufficient to determine the role of this variant in disease. Therefore, it has been classified as a Variant of Uncertain Significance.

Blueprint Genetics
Classification: Uncertain significance. Last evaluated: 2022-02-22. Review status: criteria provided, single submitter. Criteria: ACMG Guidelines, 2015. Collection method: clinical testing. Allele origin: germline.

Literature cited by the submitters: PubMed 34041919 (cited by Labcorp Genetics (formerly Invitae), Labcorp).